The following is an entry in ClinVar:

ClinVar aggregate classification (germline): Uncertain significance (1 of 4 stars; one submission).

Conditions:
Hereditary cancer-predisposing syndrome. Also called: Neoplastic Syndromes, Hereditary; Tumor predisposition; Hereditary Cancer Syndrome; Hereditary neoplastic syndrome. Identifiers: Orphanet 140162, MedGen C0027672, MeSH D009386, MONDO:0015356.

Submission:

Ambry Genetics
Classification: Uncertain significance for Hereditary cancer-predisposing syndrome. Last evaluated: 2024-09-16. Review status: criteria provided, single submitter. Criteria: Ambry Variant Classification Scheme 2023. Collection method: clinical testing. Allele origin: germline.
Comment: The p.E585V variant (also known as c.1754A>T), located in coding exon 16 of the POLE gene, results from an A to T substitution at nucleotide position 1754. The glutamic acid at codon 585 is replaced by valine, an amino acid with dissimilar properties. This amino acid position is conserved. In addition, the in silico prediction for this alteration is inconclusive. Based on the available evidence, the clinical significance of this variant remains unclear.

NM_006231.4(POLE):c.1754A>T (p.Glu585Val)

Gene: POLE (DNA polymerase epsilon, catalytic subunit; minus strand). Cytogenetic location: 12q24.33.
Variant type: single nucleotide variant.
Coding change: c.1754A>T on transcript NM_006231.4 (MANE Select); coding-DNA position 1754, A replaced by T.
Protein change: p.Glu585Val; replaces glutamic acid 585 with valine.
Molecular consequence: missense variant.
Genome position (GRCh38, 1-based): chr12:132,672,255, T>A on the plus strand (A>T on the coding strand, the complement: POLE is on the minus strand). VCF-style: chr12-132672255-T-A. GRCh37 (hg19) VCF-style: chr12-133248841-T-A.
Other names: short protein forms E585V.
Identifiers: ClinVar variation 3422168 (VCV003422168.1).
Genomic context (GRCh38, chr12:132,672,255, plus strand): 5'-CCTGCCTCCCTGATGGTTACCTCTTCAAAGTTGGTGACTTGCTCCACAGGCACTTTCTCC[T>A]CTTCCTCAAGGGCGTGGCGCAAGGTCTTCTCAACCCGCTGCAGCAGGAAGTCAAAGGCGG-3'
Protein context (NP_006222.2, residues 575-595): EKTLRHALEE[Glu585Val]EKVPVEQVTN